The following is an entry in ClinVar:

ClinVar aggregate classification (germline): Uncertain significance. Review status: criteria provided, multiple submitters, no conflicts (2 of 4 stars). 2 submissions from 2 submitters: Uncertain significance (2). Last evaluated 2025-01-05.

Conditions:
Familial sleep-related hypermotor epilepsy. Also called: Autosomal Dominant Sleep-Related Hypermotor (Hyperkinetic) Epilepsy. Identifiers: Orphanet 98784, MedGen C3696898, MONDO:0000030.
Inborn genetic diseases. Identifiers: MedGen C0950123, MeSH D030342.

Submissions (2):

Labcorp Genetics (formerly Invitae), Labcorp
Classification: Uncertain significance. Last evaluated: 2025-01-05. Review status: criteria provided, single submitter. Criteria: Invitae Variant Classification Sherloc (09022015). Collection method: clinical testing. Allele origin: germline.
Comment: This sequence change replaces glycine, which is neutral and non-polar, with aspartic acid, which is acidic and polar, at codon 298 of the CHRNB2 protein (p.Gly298Asp). This variant is not present in population databases (gnomAD no frequency). This variant has not been reported in the literature in individuals affected with CHRNB2-related conditions. ClinVar contains an entry for this variant (Variation ID: 1037431). Invitae Evidence Modeling of protein sequence and biophysical properties (such as structural, functional, and spatial information, amino acid conservation, physicochemical variation, residue mobility, and thermodynamic stability) has been performed for this missense variant. However, the output from this modeling did not meet the statistical confidence thresholds required to predict the impact of this variant on CHRNB2 protein function. In summary, the available evidence is currently insufficient to determine the role of this variant in disease. Therefore, it has been classified as a Variant of Uncertain Significance.

Ambry Genetics
Classification: Uncertain significance for Inborn genetic diseases. Last evaluated: 2024-12-23. Review status: criteria provided, single submitter. Criteria: Ambry Variant Classification Scheme 2023. Collection method: clinical testing. Allele origin: germline.

NM_000748.3(CHRNB2):c.893G>A (p.Gly298Asp)

Gene: CHRNB2 (cholinergic receptor nicotinic beta 2 subunit; plus strand). Cytogenetic location: 1q21.3.
Variant type: single nucleotide variant.
Coding change: c.893G>A on transcript NM_000748.3 (MANE Select); coding-DNA position 893, G replaced by A.
Protein change: p.Gly298Asp; replaces glycine 298 with aspartic acid.
Molecular consequence: missense variant.
Genome position (GRCh38, 1-based): chr1:154,571,716, G>A. VCF-style: chr1-154571716-G-A. GRCh37 (hg19) VCF-style: chr1-154544192-G-A.
Other names: c.893G>A (NM_000748.2); short protein forms G298D.
Identifiers: ClinVar variation 1037431 (VCV001037431.9), dbSNP rs868235334, ClinGen allele CA30834647.